The following is an entry in ClinVar:

ClinVar aggregate classification (germline): Uncertain significance. Review status: criteria provided, multiple submitters, no conflicts (2 of 4 stars). 2 submissions from 2 submitters: Uncertain significance (2). Last evaluated 2026-08-13.

Conditions:
ANKRD1-related dilated cardiomyopathy. Identifiers: MedGen CN119551.
Cardiovascular phenotype. Identifiers: MedGen CN230736.

Allele frequency attached by ClinVar (database versions not stated): gnomAD exomes below 0.00001.
gnomAD v4.1: 2 of 1,613,860 alleles (0.00012%); highest among the groups gnomAD compares: Non-Finnish European, 0.000085%; no homozygotes.

Submissions (2):

Ambry Genetics
Classification: Uncertain significance for Cardiovascular phenotype. Last evaluated: 2026-08-13. Review status: criteria provided, single submitter. Criteria: Ambry Variant Classification Scheme 2023. Collection method: clinical testing. Allele origin: germline.
Comment: The c.750+4A>G intronic variant results from an A to G substitution 4 nucleotides after coding exon 7 in the ANKRD1 gene. This nucleotide position is highly conserved in available vertebrate species. In silico splice site analysis for this alteration is inconclusive. The evidence for this gene-disease relationship is limited; therefore, the clinical significance of this variant is unclear.

Labcorp Genetics (formerly Invitae), Labcorp
Classification: Uncertain significance for ANKRD1-related dilated cardiomyopathy. Last evaluated: 2024-05-22. Review status: criteria provided, single submitter. Criteria: Invitae Variant Classification Sherloc (09022015). Collection method: clinical testing. Allele origin: germline.
Comment: This sequence change falls in intron 7 of the ANKRD1 gene. It does not directly change the encoded amino acid sequence of the ANKRD1 protein. It affects a nucleotide within the consensus splice site. This variant is not present in population databases (gnomAD no frequency). This variant has not been reported in the literature in individuals affected with ANKRD1-related conditions. ClinVar contains an entry for this variant (Variation ID: 1759214). Variants that disrupt the consensus splice site are a relatively common cause of aberrant splicing (PMID: 17576681, 9536098). Algorithms developed to predict the effect of sequence changes on RNA splicing suggest that this variant may disrupt the consensus splice site. In summary, the available evidence is currently insufficient to determine the role of this variant in disease. Therefore, it has been classified as a Variant of Uncertain Significance.

Literature cited by the submitters: PubMed 17576681 (cited by Labcorp Genetics (formerly Invitae), Labcorp); PubMed 9536098 (cited by Labcorp Genetics (formerly Invitae), Labcorp).

NM_014391.3(ANKRD1):c.750+4A>G

Gene: ANKRD1 (ankyrin repeat domain 1; minus strand). Cytogenetic location: 10q23.31.
Variant type: single nucleotide variant.
Coding change: c.750+4A>G on transcript NM_014391.3 (MANE Select); 4 bases into the intron after coding-DNA position 750, A replaced by G.
Molecular consequence: intron variant.
Genome position (GRCh38, 1-based): chr10:90,915,778, T>C on the plus strand (A>G on the coding strand, the complement: ANKRD1 is on the minus strand). VCF-style: chr10-90915778-T-C. GRCh37 (hg19) VCF-style: chr10-92675535-T-C.
Identifiers: ClinVar variation 1759214 (VCV001759214.5), dbSNP rs2492955611, ClinGen allele CA2574613592.
Genomic context (GRCh38, chr10:90,915,778, plus strand): 5'-GGGAGTGATTCCAAATACAAAAGCAATGAAGCTTTGGGAAACCCGAGCGTGTCCAGCTAC[T>C]CACTCTGTCTTTGGCGTTGAGGTCTGCCTCACAGGCGATAAGATGCTCCGCGCACTCATA-3'